The following is an entry in ClinVar:

NM_032776.3(JMJD1C):c.5764A>G (p.Thr1922Ala)

Gene: JMJD1C (jumonji domain containing 1C; minus strand). Cytogenetic location: 10q21.3.
Variant type: single nucleotide variant.
Coding change: c.5764A>G on transcript NM_032776.3 (MANE Select); coding-DNA position 5764, A replaced by G.
Protein change: p.Thr1922Ala; replaces threonine 1922 with alanine.
Molecular consequence: missense variant. On other transcripts: non-coding transcript variant (1).
Genome position (GRCh38, 1-based): chr10:63,193,443, T>C on the plus strand (A>G on the coding strand, the complement: JMJD1C is on the minus strand). VCF-style: chr10-63193443-T-C. GRCh37 (hg19) VCF-style: chr10-64953203-T-C.
Other names: c.5107A>G, p.Thr1703Ala (NM_001322258.2, NM_001322254.2); c.5218A>G, p.Thr1740Ala (NM_001282948.2, NM_001318154.2); c.4900A>G, p.Thr1634Ala (NM_001318153.2); c.5650A>G, p.Thr1884Ala (NM_001322252.2); c.5764A>G (NM_032776.1); short protein forms T1703A, T1884A, T1634A, T1922A, T1740A.
Identifiers: ClinVar variation 1047581 (VCV001047581.9), dbSNP rs939955592, ClinGen allele CA208361476.
Genomic context (GRCh38, chr10:63,193,443, plus strand): 5'-GTAAATTCTGTTTGTTAGTACAATGACAATGGGATTTAATACCATATTTTTCCCTAAGAG[T>C]GTGCATGGCATCTAGAAGATCTGTCAAAACTACAAAATAAAATGGTAGTTAATAAAAAGA-3'
Protein context (NP_116165.1, residues 1912-1932): VLTDLLDAMH[Thr1922Ala]LREKYGIKSH

ClinVar aggregate classification (germline): Uncertain significance. Review status: criteria provided, multiple submitters, no conflicts (2 of 4 stars). 2 submissions from 2 submitters: Uncertain significance (2). Last evaluated 2025-10-27.

Conditions:
Early Myoclonic Encephalopathy. Identifiers: MedGen C0270855.

Allele frequency attached by ClinVar (database versions not stated): gnomAD 0.00001; gnomAD exomes 0.00001 and below 0.00001; TOPMed 0.00002.
gnomAD v4.1: 6 of 1,595,174 alleles (0.00038%); highest among the groups gnomAD compares: Admixed American, 0.0017%; no homozygotes.

Submissions (2):

Labcorp Genetics (formerly Invitae), Labcorp
Classification: Uncertain significance for Early Myoclonic Encephalopathy. Last evaluated: 2025-10-27. Review status: criteria provided, single submitter. Criteria: Invitae Variant Classification Sherloc (09022015). Collection method: clinical testing. Allele origin: germline.
Comment: This sequence change replaces threonine, which is neutral and polar, with alanine, which is neutral and non-polar, at codon 1922 of the JMJD1C protein (p.Thr1922Ala). This variant is present in population databases (no rsID available, gnomAD 0.002%). This variant has not been reported in the literature in individuals affected with JMJD1C-related conditions. ClinVar contains an entry for this variant (Variation ID: 1047581). Invitae Evidence Modeling of protein sequence and biophysical properties (such as structural, functional, and spatial information, amino acid conservation, physicochemical variation, residue mobility, and thermodynamic stability) indicates that this missense variant is not expected to disrupt JMJD1C protein function with a negative predictive value of 80%. In summary, the available evidence is currently insufficient to determine the role of this variant in disease. Therefore, it has been classified as a Variant of Uncertain Significance.

Ambry Genetics
Classification: Uncertain significance. Last evaluated: 2025-08-07. Review status: criteria provided, single submitter. Criteria: Ambry Variant Classification Scheme 2023. Collection method: clinical testing. Allele origin: germline.